The following is an entry in ClinVar:

NM_024426.6(WT1):c.293C>T (p.Ala98Val)

Genes: WT1 (WT1 transcription factor; minus strand), LOC107982234 (WT1/WT1-AS bi-directional promoter region; plus strand). Cytogenetic location: 11p13.
Variant type: single nucleotide variant.
Coding change: c.293C>T on transcript NM_024426.6 (MANE Select); coding-DNA position 293, C replaced by T.
Protein change: p.Ala98Val; replaces alanine 98 with valine.
Molecular consequence: missense variant. On other transcripts: non-coding transcript variant (1).
Genome position (GRCh38, 1-based): chr11:32,435,068, G>A on the plus strand (C>T on the coding strand, the complement: WT1 is on the minus strand). VCF-style: chr11-32435068-G-A. GRCh37 (hg19) VCF-style: chr11-32456614-G-A.
Other names: c.293C>T, p.Ala98Val (NM_000378.6, NM_024424.5); c.278C>T (NM_024426.4); short protein forms A98V.
Identifiers: ClinVar variation 1433146 (VCV001433146.10), dbSNP rs1853462729, ClinGen allele CA379965986.

ClinVar aggregate classification (germline): Uncertain significance. Review status: criteria provided, multiple submitters, no conflicts (2 of 4 stars). 3 submissions from 3 submitters: Uncertain significance (3). Last evaluated 2026-01-17.

Conditions:
Inborn genetic diseases. Identifiers: MedGen C0950123, MeSH D030342.
Wilms tumor 1 (WT1). Also called: Wilms tumor, somatic. Identifiers: Orphanet 654, MedGen CN033288, MONDO:0008679, OMIM 194070.
11p partial monosomy syndrome (WAGR). Also called: CHROMOSOME 11p13 DELETION SYNDROME; WAGR syndrome; WAGR Spectrum Disorder; WAGR Complex. Identifiers: Orphanet 893, MedGen C0206115, MONDO:0008681, OMIM 194072.
Drash syndrome (DDS). Also called: NEPHROPATHY, WILMS TUMOR, AND GENITAL ANOMALIES; WILMS TUMOR AND PSEUDO- OR TRUE HERMAPHRODITISM. Identifiers: Orphanet 220, MedGen C0950121, MONDO:0008682, OMIM 194080.
Frasier syndrome. Identifiers: Orphanet 347, MedGen C0950122, MeSH D052159, MONDO:0007635, OMIM 136680.

Allele frequency attached by ClinVar (database versions not stated): gnomAD exomes below 0.00001; TOPMed below 0.00001.
gnomAD v4.1: 1 of 1,487,074 alleles (0.000067%); highest among the groups gnomAD compares: Non-Finnish European, 0.000089%; no homozygotes.

Submissions (3):

Ambry Genetics
Classification: Uncertain significance for Inborn genetic diseases. Last evaluated: 2026-01-17. Review status: criteria provided, single submitter. Criteria: Ambry Variant Classification Scheme 2023. Collection method: clinical testing. Allele origin: germline.
Comment: The p.A93V variant (also known as c.278C>T), located in coding exon 1 of the WT1 gene, results from a C to T substitution at nucleotide position 278. The alanine at codon 93 is replaced by valine, an amino acid with similar properties. This amino acid position is conserved. In addition, this alteration is predicted to be tolerated by in silico analysis. Based on the available evidence, the clinical significance of this variant remains unclear.

Baylor Genetics
Classification: Uncertain significance for Drash syndrome. Last evaluated: 2023-06-02. Review status: criteria provided, single submitter. Criteria: ACMG Guidelines, 2015. Collection method: clinical testing. Allele origin: unknown.

Labcorp Genetics (formerly Invitae), Labcorp
Classification: Uncertain significance for Wilms tumor 1; Drash syndrome; 11p partial monosomy syndrome; Frasier syndrome. Last evaluated: 2022-09-15. Review status: criteria provided, single submitter. Criteria: Invitae Variant Classification Sherloc (09022015). Collection method: clinical testing. Allele origin: germline.
Comment: This sequence change replaces alanine, which is neutral and non-polar, with valine, which is neutral and non-polar, at codon 93 of the WT1 protein (p.Ala93Val). This variant is not present in population databases (gnomAD no frequency). This variant has not been reported in the literature in individuals affected with WT1-related conditions. ClinVar contains an entry for this variant (Variation ID: 1433146). Algorithms developed to predict the effect of missense changes on protein structure and function are either unavailable or do not agree on the potential impact of this missense change (SIFT: "Deleterious"; PolyPhen-2: "Benign"; Align-GVGD: "Class C0"). In summary, the available evidence is currently insufficient to determine the role of this variant in disease. Therefore, it has been classified as a Variant of Uncertain Significance.